The following is an entry in ClinVar:

ClinVar aggregate classification (germline): Uncertain significance. Review status: criteria provided, multiple submitters, no conflicts (2 of 4 stars). 2 submissions from 2 submitters: Uncertain significance (2). Last evaluated 2026-07-22.

Conditions:
VKORC1-related disorder. Also called: VKORC1-related condition.

Allele frequency attached by ClinVar (database versions not stated): TOPMed 0.00004; ExAC 0.00008; gnomAD 0.00009.

Submissions (2):

PreventionGenetics, part of Exact Sciences
Classification: Uncertain significance for VKORC1-related condition. Last evaluated: 2026-07-22. Review status: criteria provided, single submitter. Criteria: ACMG Guidelines, 2015. Collection method: clinical testing. Allele origin: germline.
Comment: The VKORC1 c.112G>C variant is predicted to result in the amino acid substitution p.Asp38His. To our knowledge, this variant has not been reported in the literature. This variant is reported in 0.011% of alleles in individuals of European (Non-Finnish) descent in gnomAD. At this time, the clinical significance of this variant is uncertain due to the absence of conclusive functional and genetic evidence.

Ambry Genetics
Classification: Uncertain significance. Last evaluated: 2023-12-27. Review status: criteria provided, single submitter. Criteria: Ambry Variant Classification Scheme 2023. Collection method: clinical testing. Allele origin: germline.

NM_024006.6(VKORC1):c.112G>C (p.Asp38His)

Gene: VKORC1 (vitamin K epoxide reductase complex subunit 1; minus strand). Cytogenetic location: 16p11.2.
Variant type: single nucleotide variant.
Coding change: c.112G>C on transcript NM_024006.6 (MANE Select); coding-DNA position 112, G replaced by C.
Protein change: p.Asp38His; replaces aspartic acid 38 with histidine.
Molecular consequence: missense variant.
Genome position (GRCh38, 1-based): chr16:31,094,618, C>G on the plus strand (G>C on the coding strand, the complement: VKORC1 is on the minus strand). VCF-style: chr16-31094618-C-G. GRCh37 (hg19) VCF-style: chr16-31105939-C-G.
Other names: c.112G>C, p.Asp38His (NM_001311311.2, NM_206824.3); c.112G>C (NM_024006.5); short protein forms D38H.
Identifiers: ClinVar variation 3188665 (VCV003188665.2), dbSNP rs774078258, ClinGen allele CA8021292.